The following is an entry in ClinVar:

NM_020975.6(RET):c.971G>A (p.Trp324Ter)

Gene: RET (ret proto-oncogene; plus strand). Cytogenetic location: 10q11.21.
Variant type: single nucleotide variant.
Coding change: c.971G>A on transcript NM_020975.6 (MANE Select); coding-DNA position 971, G replaced by A.
Protein change: p.Trp324Ter; replaces tryptophan 324 with a stop codon.
Molecular consequence: nonsense. On other transcripts: intron variant (25).
Genome position (GRCh38, 1-based): chr10:43,106,479, G>A. VCF-style: chr10-43106479-G-A. GRCh37 (hg19) VCF-style: chr10-43601927-G-A.
Other names: c.971G>A, p.Trp324Ter (NM_000323.2, NM_001406743.1, NM_001406744.1 and 6 more transcripts); c.209G>A, p.Trp70Ter (NM_001355216.2); c.842G>A, p.Trp281Ter (NM_001406761.1, NM_001406762.1, NM_001406764.1 and 1 more transcripts); c.683G>A, p.Trp228Ter (NM_001406766.1, NM_001406767.1, NM_001406770.1); c.867+1286G>A (NM_001406772.1, NM_001406769.1); c.626-2552G>A (NM_001406773.1, NM_001406771.1); c.625+3850G>A (NM_001406782.1, NM_001406780.1, NM_001406779.1 and 3 more transcripts); c.738+1286G>A (NM_001406774.1); and 5 more; short protein forms W228*, W281*, W324*, W70*.
Identifiers: ClinVar variation 2584517 (VCV002584517.1), dbSNP rs1278030644, ClinGen allele CA376546160.

ClinVar aggregate classification (germline): Pathogenic (1 of 4 stars; one submission).

Conditions:
RET-related disorder. Also called: RET-related condition; RET-related disease; RET-related disorders.

Submission:

Rady Children's Institute for Genomic Medicine, Rady Children's Hospital San Diego
Classification: Pathogenic for RET-related disorders. Review status: criteria provided, single submitter. Criteria: ACMG Guidelines, 2015. Collection method: clinical testing. Allele origin: germline. Affected: yes.
Comment: This nonsense variant found in exon 5 of 20 is predicted to result in loss of normal protein function through either protein truncation or nonsense-mediated mRNA decay (NMD). This variant has not been previously reported or functionally characterized in the literature to our knowledge. Loss-of-function variation in RET is an established mechanism of disease (PMID: 20301434). The c.971G>A (p.Trp324Ter) variant is absent from the gnomAD population database and thus is presumed to be rare. Based on the available evidence, the c.971G>A (p.Trp324Ter) variant is classified as Pathogenic.